The following is an entry in ClinVar:

ClinVar aggregate classification (germline): Uncertain significance (1 of 4 stars; one submission).

Conditions:
RYR1-related disorder. Also called: RYR1-related condition; RYR1-related disorders. Identifiers: MedGen CN239331.

Submission:

Labcorp Genetics (formerly Invitae), Labcorp
Classification: Uncertain significance for RYR1-related disorder. Last evaluated: 2022-02-04. Review status: criteria provided, single submitter. Criteria: Invitae Variant Classification Sherloc (09022015). Collection method: clinical testing. Allele origin: germline.
Comment: In summary, the available evidence is currently insufficient to determine the role of this variant in disease. Therefore, it has been classified as a Variant of Uncertain Significance. Algorithms developed to predict the effect of missense changes on protein structure and function are either unavailable or do not agree on the potential impact of this missense change (SIFT: "Deleterious"; PolyPhen-2: "Probably Damaging"; Align-GVGD: "Class C0"). ClinVar contains an entry for this variant (Variation ID: 478223). This missense change has been observed in individual(s) with autosomal recessive congenital myopathy (Invitae). In at least one individual the data is consistent with being in trans (on the opposite chromosome) from a pathogenic variant. It has also been observed to segregate with disease in related individuals. This variant is not present in population databases (gnomAD no frequency). This sequence change replaces valine, which is neutral and non-polar, with phenylalanine, which is neutral and non-polar, at codon 1190 of the RYR1 protein (p.Val1190Phe).

NM_000540.3(RYR1):c.3568G>T (p.Val1190Phe)

Gene: RYR1 (ryanodine receptor 1; plus strand). Cytogenetic location: 19q13.2.
Variant type: single nucleotide variant.
Coding change: c.3568G>T on transcript NM_000540.3 (MANE Select); coding-DNA position 3568, G replaced by T.
Protein change: p.Val1190Phe; replaces valine 1190 with phenylalanine.
Molecular consequence: missense variant.
Genome position (GRCh38, 1-based): chr19:38,469,316, G>T. VCF-style: chr19-38469316-G-T. GRCh37 (hg19) VCF-style: chr19-38959956-G-T.
Other names: c.3568G>T, p.Val1190Phe (NM_001042723.2); short protein forms V1190F.
Identifiers: ClinVar variation 478223 (VCV000478223.9), dbSNP rs749283427, ClinGen allele CA405638999.
Genomic context (GRCh38, chr19:38,469,316, plus strand): 5'-TGCCCTGCCCACCTGCCCTCACCCCTGCCCATCCATCCCCTCCCACCAGGCTTCCTGCCC[G>T]TCTGCAGCTTGGGACCTGGCCAGGTGGGTCATCTGAACCTGGGCCAGGACGTGAGCTCTC-3'
Protein context (NP_000531.2, residues 1180-1200): EIEIGDGFLP[Val1190Phe]CSLGPGQVGH